The following is an entry in ClinVar:

NM_000829.4(GRIA4):c.2314G>A (p.Val772Ile)

Gene: GRIA4 (glutamate ionotropic receptor AMPA type subunit 4; plus strand). Cytogenetic location: 11q22.3.
Variant type: single nucleotide variant.
Coding change: c.2314G>A on transcript NM_000829.4 (MANE Select); coding-DNA position 2314, G replaced by A.
Protein change: p.Val772Ile; replaces valine 772 with isoleucine.
Molecular consequence: missense variant. On other transcripts: non-coding transcript variant (1), intron variant (1).
Genome position (GRCh38, 1-based): chr11:105,971,933, G>A. VCF-style: chr11-105971933-G-A. GRCh37 (hg19) VCF-style: chr11-105842660-G-A.
Other names: c.2410-2377G>A (NM_001077243.3); short protein forms V772I.
Identifiers: ClinVar variation 873495 (VCV000873495.4), dbSNP rs776076985, ClinGen allele CA6258808.

ClinVar aggregate classification (germline): Uncertain significance (1 of 4 stars; one submission).

Conditions:
GRIA4-related neurodevelopmental disorder.

Allele frequency attached by ClinVar (database versions not stated): gnomAD 0.00001; ExAC 0.00002; gnomAD exomes 0.00001.
gnomAD v4.1: 9 of 1,609,920 alleles (0.00056%); highest among the groups gnomAD compares: Admixed American, 0.0033%; no homozygotes.

Submission:

Illumina Laboratory Services, Illumina
Classification: Uncertain significance for GRIA4-related neurodevelopmental disorder. Last evaluated: 2020-01-23. Review status: criteria provided, single submitter. Criteria: ICSLVariantClassificationCriteria RUGD 01 April 2020. Collection method: clinical testing. Allele origin: unknown.
Comment: The GRIA4 c.2314G>A (p.Val772Ile) variant is a missense variant. A literature search was performed for the gene, cDNA change, and amino acid change. No publications were found based on this search. The p.Val772Ile variant is reported at a frequency of 0.000058 in the Latino population of the Genome Aggregation Database; this frequency is based on two alleles in a region of good sequence coverage, so the variant is presumed to be rare. Multiple in silico tools do not agree in their predictions of the effect of this variant. Based on the limited evidence available, the p.Val772Ile variant is classified as a variant of unknown significance for GRIA4-related neurodevelopmental disorder.